The following is an entry in ClinVar:

NM_017934.7(PHIP):c.3605A>G (p.Tyr1202Cys)

Genes: IRAK1BP1 (interleukin 1 receptor associated kinase 1 binding protein 1; plus strand), PHIP (PHIP subunit of CUL4-Ring ligase complex; minus strand). Cytogenetic location: 6q14.1.
Variant type: single nucleotide variant.
Coding change: c.3605A>G on transcript NM_017934.7 (MANE Select); coding-DNA position 3605, A replaced by G.
Protein change: p.Tyr1202Cys; replaces tyrosine 1202 with cysteine.
Molecular consequence: missense variant.
Genome position (GRCh38, 1-based): chr6:78,961,741, T>C on the plus strand (A>G on the coding strand, the complement: PHIP is on the minus strand). VCF-style: chr6-78961741-T-C. GRCh37 (hg19) VCF-style: chr6-79671458-T-C.
Other names: c.3605A>G (NM_017934.5); short protein forms Y1202C.
Identifiers: ClinVar variation 1716892 (VCV001716892.6), dbSNP rs1766795994, ClinGen allele CA364645667.

ClinVar aggregate classification (germline): Uncertain significance. Review status: criteria provided, multiple submitters, no conflicts (2 of 4 stars). 2 submissions from 2 submitters: Uncertain significance (2). Last evaluated 2025-08-09.

Conditions:
Inborn genetic diseases. Identifiers: MedGen C0950123, MeSH D030342.

Allele frequency attached by ClinVar (database versions not stated): TOPMed below 0.00001.

Submissions (2):

Ambry Genetics
Classification: Uncertain significance for Inborn genetic diseases. Last evaluated: 2025-08-09. Review status: criteria provided, single submitter. Criteria: Ambry Variant Classification Scheme 2023. Collection method: clinical testing. Allele origin: germline.

Labcorp Genetics (formerly Invitae), Labcorp
Classification: Uncertain significance. Last evaluated: 2023-08-10. Review status: criteria provided, single submitter. Criteria: Invitae Variant Classification Sherloc (09022015). Collection method: clinical testing. Allele origin: germline.
Comment: ClinVar contains an entry for this variant (Variation ID: 1716892). In summary, the available evidence is currently insufficient to determine the role of this variant in disease. Therefore, it has been classified as a Variant of Uncertain Significance. Advanced modeling of protein sequence and biophysical properties (such as structural, functional, and spatial information, amino acid conservation, physicochemical variation, residue mobility, and thermodynamic stability) performed at Invitae indicates that this missense variant is expected to disrupt PHIP protein function. This variant has not been reported in the literature in individuals affected with PHIP-related conditions. This variant is not present in population databases (gnomAD no frequency). This sequence change replaces tyrosine, which is neutral and polar, with cysteine, which is neutral and slightly polar, at codon 1202 of the PHIP protein (p.Tyr1202Cys).